The following is an entry in ClinVar:

NM_012156.2(EPB41L1):c.1136C>T (p.Pro379Leu)

Gene: EPB41L1 (erythrocyte membrane protein band 4.1 like 1; plus strand). Cytogenetic location: 20q11.23.
Variant type: single nucleotide variant.
Coding change: c.1136C>T on transcript NM_012156.2 (MANE Select); coding-DNA position 1136, C replaced by T.
Protein change: p.Pro379Leu; replaces proline 379 with leucine.
Molecular consequence: missense variant.
Genome position (GRCh38, 1-based): chr20:36,190,633, C>T. VCF-style: chr20-36190633-C-T. GRCh37 (hg19) VCF-style: chr20-34778555-C-T.
Other names: c.1136C>T, p.Pro379Leu (NM_001258329.1, NM_001424382.1, NM_001424383.1 and 13 more transcripts); c.1043C>T, p.Pro348Leu (NM_001258330.1); c.950C>T, p.Pro317Leu (NM_001258331.2, NM_001424373.1, NM_001424374.1 and 19 more transcripts); short protein forms P317L, P348L, P379L.
Identifiers: ClinVar variation 3338551 (VCV003338551.1).

ClinVar aggregate classification (germline): Uncertain significance (1 of 4 stars; one submission).

Submission:

Greenwood Genetic Center Diagnostic Laboratories, Greenwood Genetic Center
Classification: Uncertain significance. Last evaluated: 2024-06-10. Review status: criteria provided, single submitter. Criteria: ACMG Guidelines, 2015. Collection method: clinical testing. Allele origin: germline. Affected: yes.
Comment: PM2, PP3